The following is an entry in ClinVar:

NM_152703.5(SAMD9L):c.2789C>T (p.Ser930Phe)

Gene: SAMD9L (sterile alpha motif domain containing 9 like; minus strand). Cytogenetic location: 7q21.2.
Variant type: single nucleotide variant.
Coding change: c.2789C>T on transcript NM_152703.5 (MANE Select); coding-DNA position 2789, C replaced by T.
Protein change: p.Ser930Phe; replaces serine 930 with phenylalanine.
Molecular consequence: missense variant.
Genome position (GRCh38, 1-based): chr7:93,133,183, G>A on the plus strand (C>T on the coding strand, the complement: SAMD9L is on the minus strand). VCF-style: chr7-93133183-G-A. GRCh37 (hg19) VCF-style: chr7-92762496-G-A.
Other names: c.2789C>T, p.Ser930Phe (NM_001303496.3, NM_001303497.3, NM_001303498.3 and 5 more transcripts); short protein forms S930F.
Identifiers: ClinVar variation 4630079 (VCV004630079.1).

ClinVar aggregate classification (germline): Uncertain significance (1 of 4 stars; one submission).

Conditions:
Inborn genetic diseases. Identifiers: MedGen C0950123, MeSH D030342.

Submission:

Ambry Genetics
Classification: Uncertain significance for Inborn genetic diseases. Last evaluated: 2025-10-26. Review status: criteria provided, single submitter. Criteria: Ambry Variant Classification Scheme 2023. Collection method: clinical testing. Allele origin: germline.
Comment: The p.S930F variant (also known as c.2789C>T), located in coding exon 1 of the SAMD9L gene, results from a C to T substitution at nucleotide position 2789. The serine at codon 930 is replaced by phenylalanine, an amino acid with highly dissimilar properties. This amino acid position is conserved. In addition, this alteration is predicted to be tolerated by in silico analysis. Based on the available evidence, the clinical significance of this variant remains unclear.